The following is an entry in ClinVar:

ClinVar aggregate classification (germline): Uncertain significance (1 of 4 stars; one submission).

Conditions:
Emery-Dreifuss muscular dystrophy (EDMD). Also called: Scapuloperoneal syndrome, X-linked (formerly); Humeroperoneal neuromuscular disease, (formerly). Identifiers: Orphanet 261, MedGen C0410189, MONDO:0016830.

Allele frequency attached by ClinVar (database versions not stated): TOPMed below 0.00001; gnomAD 0.00001; ExAC 0.00002.
gnomAD v4.1: 6 of 1,611,846 alleles (0.00037%); highest among the groups gnomAD compares: South Asian, 0.0022%; no homozygotes.

Submission:

Labcorp Genetics (formerly Invitae), Labcorp
Classification: Uncertain significance for Emery-Dreifuss muscular dystrophy. Last evaluated: 2024-10-24. Review status: criteria provided, single submitter. Criteria: Invitae Variant Classification Sherloc (09022015). Collection method: clinical testing. Allele origin: germline.
Comment: This sequence change replaces arginine, which is basic and polar, with cysteine, which is neutral and slightly polar, at codon 339 of the SUN2 protein (p.Arg339Cys). This variant is present in population databases (rs754925148, gnomAD 0.003%). This variant has not been reported in the literature in individuals affected with SUN2-related conditions. ClinVar contains an entry for this variant (Variation ID: 2084824). An algorithm developed to predict the effect of missense changes on protein structure and function (PolyPhen-2) suggests that this variant is likely to be disruptive. In summary, the available evidence is currently insufficient to determine the role of this variant in disease. Therefore, it has been classified as a Variant of Uncertain Significance.

NM_015374.3(SUN2):c.1015C>T (p.Arg339Cys)

Genes: SUN2 (Sad1 and UNC84 domain containing 2; minus strand), GTPBP1 (GTP binding protein 1; plus strand). Cytogenetic location: 22q13.1.
Variant type: single nucleotide variant.
Coding change: c.1015C>T on transcript NM_015374.3 (MANE Select); coding-DNA position 1015, C replaced by T.
Protein change: p.Arg339Cys; replaces arginine 339 with cysteine.
Molecular consequence: missense variant. On other transcripts: intron variant (3).
Genome position (GRCh38, 1-based): chr22:38,742,354, G>A on the plus strand (C>T on the coding strand, the complement: SUN2 is on the minus strand). VCF-style: chr22-38742354-G-A. GRCh37 (hg19) VCF-style: chr22-39138359-G-A.
Other names: c.1078C>T, p.Arg360Cys (NM_001199579.2, NM_001394428.1); c.1015C>T, p.Arg339Cys (NM_001199580.2, NM_001394431.1, NM_001394432.1 and 5 more transcripts); c.1108C>T, p.Arg370Cys (NM_001394427.1); c.1060C>T, p.Arg354Cys (NM_001394429.1, NM_001394430.1); c.925C>T, p.Arg309Cys (NM_001394438.1); c.877C>T, p.Arg293Cys (NM_001394439.1, NM_001394440.1, NM_001394441.1); c.523C>T, p.Arg175Cys (NM_001394443.1); c.615-1922C>T (NM_001394444.1, NM_001394445.1); and 1 more; short protein forms R360C, R175C, R309C, R293C, R339C, R354C, R370C.
Identifiers: ClinVar variation 2084824 (VCV002084824.4), dbSNP rs754925148, ClinGen allele CA10235693.